The following is an entry in ClinVar:

NM_006277.3(ITSN2):c.2257+6G>A

Gene: ITSN2 (intersectin 2; minus strand). Cytogenetic location: 2p23.3.
Variant type: single nucleotide variant.
Coding change: c.2257+6G>A on transcript NM_006277.3 (MANE Select); 6 bases into the intron after coding-DNA position 2257, G replaced by A.
Molecular consequence: intron variant.
Genome position (GRCh38, 1-based): chr2:24,271,760, C>T on the plus strand (G>A on the coding strand, the complement: ITSN2 is on the minus strand). VCF-style: chr2-24271760-C-T. GRCh37 (hg19) VCF-style: chr2-24494629-C-T.
Other names: c.2137+45G>A (NM_001348182.2, NM_001348186.2); c.2176+6G>A (NM_019595.4, NM_001348183.2); c.2215+6G>A (NM_001348181.2); c.2257+6G>A (NM_147152.3); c.2218+45G>A (NM_001348185.2); c.2134+6G>A (NM_001348184.2).
Identifiers: ClinVar variation 3036324 (VCV003036324.2), dbSNP rs188420104, ClinGen allele CA1551241.
Genomic context (GRCh38, chr2:24,271,760, plus strand): 5'-TCTCTTATCAGGTCATTTTTTTCTTGTTGCATTTGTTCTACTGTCTCAAAGTATCCTTAT[C>T]CTTACGTTTTTTCTCCTCAGCTTTCAAAGTATCCTTATCCTTACGTTGTTTCTCCTCAGC-3'

ClinVar aggregate classification (germline): Likely benign (0 of 4 stars; one submission).

Conditions:
ITSN2-related disorder. Also called: ITSN2-related condition.

Allele frequency attached by ClinVar (database versions not stated): gnomAD exomes below 0.00001; ExAC 0.00001; gnomAD 0.00001; 1000 Genomes Project 0.00020; 1000 Genomes Project 30x 0.00031.
gnomAD v4.1: 3 of 1,575,126 alleles (0.00019%); highest among the groups gnomAD compares: Admixed American, 0.0058%; no homozygotes.

Submission:

PreventionGenetics, part of Exact Sciences
Classification: Likely benign for ITSN2-related condition. Last evaluated: 2021-02-03. Review status: no assertion criteria provided. Collection method: clinical testing. Allele origin: germline.
Comment: This variant is classified as likely benign based on ACMG/AMP sequence variant interpretation guidelines (Richards et al. 2015 PMID: 25741868, with internal and published modifications).